The following is an entry in ClinVar:

ClinVar aggregate classification (germline): Pathogenic (1 of 4 stars; one submission).

Conditions:
Leber congenital amaurosis 7 (LCA7). Identifiers: Orphanet 65, MedGen C3151192, MONDO:0013449, OMIM 613829.
Cone-rod dystrophy 2 (CORD2). Also called: CONE-ROD RETINAL DYSTROPHY; Cone-rod retinal dystrophy 2. Identifiers: Orphanet 1872, MedGen C3489532, MONDO:0007362, OMIM 120970.

Submission:

Labcorp Genetics (formerly Invitae), Labcorp
Classification: Pathogenic for Cone-rod dystrophy 2; Leber congenital amaurosis 7. Last evaluated: 2021-11-12. Review status: criteria provided, single submitter. Criteria: Invitae Variant Classification Sherloc (09022015). Collection method: clinical testing. Allele origin: germline.
Comment: This sequence change creates a premature translational stop signal (p.Lys88*) in the CRX gene. While this is not anticipated to result in nonsense mediated decay, it is expected to disrupt the last 212 amino acid(s) of the CRX protein. This variant is not present in population databases (gnomAD no frequency). This variant has not been reported in the literature in individuals affected with CRX-related conditions. ClinVar contains an entry for this variant (Variation ID: 938600). This variant disrupts the region of the CRX protein between p.Arg41 and p.Gln256. Other variants in this region have been observed in individuals with autosomal dominant CRX-related conditions (PMID: 9427255, 26682157), which suggests that this may be a clinically significant region of the protein. For these reasons, this variant has been classified as Pathogenic.

Literature cited by the submitters: PubMed 9427255; PubMed 26682157.

NM_000554.6(CRX):c.262_275del (p.Phe87_Lys88insTer)

Gene: CRX (cone-rod homeobox; plus strand). Cytogenetic location: 19q13.33.
Variant type: Deletion.
Coding change: c.262_275del on transcript NM_000554.6 (MANE Select); coding-DNA positions 262 to 275, 14 bases deleted (AAGAACCGGAGGGC).
Protein change: p.Phe87_Lys88insTer.
Molecular consequence: nonsense.
Genome position (GRCh38, 1-based): chr19:47,839,329-47,839,342, AAGAACCGGAGGGC deleted; deleting any 14 consecutive bases within chr19:47,839,328-47,839,342 gives the same sequence; the c. name uses the placement nearest the transcript's 3' end. VCF-style (leftmost placement, unchanged base first): chr19-47839327-TCAAGAACCGGAGGG-T. GRCh37 (hg19) VCF-style: chr19-48342584-TCAAGAACCGGAGGG-T.
Identifiers: ClinVar variation 938600 (VCV000938600.7), dbSNP rs1968160841, ClinGen allele CA1139666503.
Genomic context (GRCh38, chr19:47,839,327, plus strand): 5'-CTCCTGGGCCTCTTCCCCACTTACCCACCCCCATCTCCGCTCTTATCCCCCAGGTTTGGT[TCAAGAACCGGAGGG>T]CTAAATGCAGGCAGCAGCGACAGCAGCAGAAACAGCAGCAGCAGCCCCCAGGGGGCCAGG-3'